The following is an entry in ClinVar:

ClinVar aggregate classification (germline): Likely benign. Review status: criteria provided, multiple submitters, no conflicts (2 of 4 stars). 2 submissions from 2 submitters: Likely benign (2). Last evaluated 2024-05-06.

Conditions:
Familial sleep-related hypermotor epilepsy. Also called: Autosomal Dominant Sleep-Related Hypermotor (Hyperkinetic) Epilepsy. Identifiers: Orphanet 98784, MedGen C3696898, MONDO:0000030.

Allele frequency attached by ClinVar (database versions not stated): gnomAD exomes 0.00001 and 0.00002; gnomAD 0.00001; ExAC 0.00002; ESP Exome Variant Server 0.00008; TOPMed 0.00002.
gnomAD v4.1: 30 of 1,614,074 alleles (0.0019%); highest among the groups gnomAD compares: Non-Finnish European, 0.0024%; no homozygotes.

Submissions (2):

Labcorp Genetics (formerly Invitae), Labcorp
Classification: Likely benign. Last evaluated: 2024-05-06. Review status: criteria provided, single submitter. Criteria: Invitae Variant Classification Sherloc (09022015). Collection method: clinical testing. Allele origin: germline.

GeneDx
Classification: Likely benign. Last evaluated: 2016-06-27. Review status: criteria provided, single submitter. Criteria: GeneDx Variant Classification (06012015). Collection method: clinical testing. Allele origin: germline. Affected: yes.
Comment: This variant is considered likely benign or benign based on one or more of the following criteria: it is a conservative change, it occurs at a poorly conserved position in the protein, it is predicted to be benign by multiple in silico algorithms, and/or has population frequency not consistent with disease.

NM_000748.3(CHRNB2):c.1380C>T (p.Arg460=)

Gene: CHRNB2 (cholinergic receptor nicotinic beta 2 subunit; plus strand). Cytogenetic location: 1q21.3.
Variant type: single nucleotide variant.
Coding change: c.1380C>T on transcript NM_000748.3 (MANE Select); coding-DNA position 1380, C replaced by T.
Protein change: p.Arg460=; no amino-acid change (arginine 460 retained).
Molecular consequence: synonymous variant.
Genome position (GRCh38, 1-based): chr1:154,575,803, C>T. VCF-style: chr1-154575803-C-T. GRCh37 (hg19) VCF-style: chr1-154548279-C-T.
Identifiers: ClinVar variation 387233 (VCV000387233.9), dbSNP rs373985042, ClinGen allele CA1130869.